The following is an entry in ClinVar:

NC_000015.9:g.(?_48426485)_(48730124_?)del

Genes: CTXN2 (cortexin 2; plus strand), DUT (deoxyuridine triphosphatase; plus strand), FBN1 (fibrillin 1; minus strand), MYEF2 (myelin expression factor 2; minus strand), SLC12A1 (solute carrier family 12 member 1; plus strand) and 1 more. Cytogenetic location: 15q21.1.
Variant type: Deletion.
Identifiers: ClinVar variation 1454595 (VCV001454595.6).

ClinVar aggregate classification (germline): Pathogenic (1 of 4 stars; one submission).

Conditions:
Marfan syndrome (MFS). Also called: MARFAN SYNDROME, TYPE I; Marfan syndrome type 1; Marfan's syndrome; Marfan syndrome, classic; FBN1-Related Marfan Syndrome. Identifiers: Orphanet 284963, Orphanet 558, MedGen C0024796, MONDO:0007947, OMIM 154700.
Familial thoracic aortic aneurysm and aortic dissection (TAAD). Also called: Thoracic aortic aneurysms and dissections. Identifiers: Orphanet 91387, MedGen C4707243, MONDO:0019625.

Submission:

Labcorp Genetics (formerly Invitae), Labcorp
Classification: Pathogenic for Marfan syndrome; Familial thoracic aortic aneurysm and aortic dissection. Last evaluated: 2020-11-25. Review status: criteria provided, single submitter. Criteria: Invitae Variant Classification Sherloc (09022015). Collection method: clinical testing. Allele origin: germline.
Comment: This variant affects a cysteine residue in the EGF-like, TGFBP or hybrid motif domains of FBN1. Cysteine residues are believed to be involved in intramolecular disulfide bridges and have been shown to be important for FBN1 protein structure (PMID: 16905551, 19349279). In addition, missense substitutions affecting cysteine residues within these domains are significantly overrepresented among patients with Marfan syndrome (PMID: 16571647, 17701892). For these reasons, this variant has been classified as Pathogenic. This variant has not been reported in the literature in individuals with FBN1-related conditions. This variant is a gross deletion of the genomic region encompassing exon(s) 51-66 of the FBN1 gene. The 5' boundary is likely confined to intron 50. The 3' end of this event is unknown as it extends through the termination codon beyond the assayed region for this gene and may encompass additional genes. While this deletion is not anticipated to lead to nonsense mediated decay, it is expected to alter mRNA translation or result in a truncated protein product.

Literature cited by the submitters: PubMed 16905551; PubMed 19349279; PubMed 16571647; PubMed 17701892.